The following is an entry in ClinVar:

ClinVar aggregate classification (germline): Benign. Review status: criteria provided, single submitter (1 of 4 stars). 2 submissions from 2 submitters: Benign (1). 1 of the submissions does not count toward it. Last evaluated 2019-12-31.

Conditions:
GRIA1-related disorder. Also called: GRIA1-related condition.

Allele frequency attached by ClinVar (database versions not stated): gnomAD exomes 0.00124; ExAC 0.00157; gnomAD 0.00434 and 0.00461; TOPMed 0.00479; 1000 Genomes Project 30x 0.00484; 1000 Genomes Project 0.00499; ESP Exome Variant Server 0.00554.
gnomAD v4.1: 1,344 of 1,611,946 alleles (0.083%); highest among the groups gnomAD compares: African/African-American, 1.6%; 9 homozygotes.

Submissions (2):

Labcorp Genetics (formerly Invitae), Labcorp
Classification: Benign. Last evaluated: 2019-12-31. Review status: criteria provided, single submitter. Criteria: Invitae Variant Classification Sherloc (09022015). Collection method: clinical testing. Allele origin: germline.

PreventionGenetics, part of Exact Sciences
Classification: Benign for GRIA1-related condition. Last evaluated: 2019-05-21. Review status: no assertion criteria provided. Collection method: clinical testing. Allele origin: germline. Not counted in ClinVar's aggregate classification.
Comment: This variant is classified as benign based on ACMG/AMP sequence variant interpretation guidelines (Richards et al. 2015 PMID: 25741868, with internal and published modifications).

NM_000827.4(GRIA1):c.1185C>T (p.Ala395=)

Gene: GRIA1 (glutamate ionotropic receptor AMPA type subunit 1; plus strand). Cytogenetic location: 5q33.2.
Variant type: single nucleotide variant.
Coding change: c.1185C>T on transcript NM_000827.4 (MANE Select); coding-DNA position 1185, C replaced by T.
Protein change: p.Ala395=; no amino-acid change (alanine 395 retained).
Molecular consequence: synonymous variant. On other transcripts: non-coding transcript variant (2).
Genome position (GRCh38, 1-based): chr5:153,698,094, C>T. VCF-style: chr5-153698094-C-T. GRCh37 (hg19) VCF-style: chr5-153077654-C-T.
Other names: c.1185C>T, p.Ala395= (NM_001114183.2); c.945C>T, p.Ala315= (NM_001258019.2); c.900C>T, p.Ala300= (NM_001258020.2); c.1215C>T, p.Ala405= (NM_001258021.2, NM_001258022.2); c.978C>T, p.Ala326= (NM_001258023.1, NM_001364167.2); c.1017C>T, p.Ala339= (NM_001364165.2); c.1212C>T, p.Ala404= (NM_001364166.2).
Identifiers: ClinVar variation 709216 (VCV000709216.6), dbSNP rs116607755, ClinGen allele CA3524542.